The following is an entry in ClinVar:

NM_003579.4(RAD54L):c.1641G>C (p.Met547Ile)

Gene: RAD54L (RAD54 like; plus strand). Cytogenetic location: 1p34.1.
Variant type: single nucleotide variant.
Coding change: c.1641G>C on transcript NM_003579.4 (MANE Select); coding-DNA position 1641, G replaced by C.
Protein change: p.Met547Ile; replaces methionine 547 with isoleucine.
Molecular consequence: missense variant.
Genome position (GRCh38, 1-based): chr1:46,274,168, G>C. VCF-style: chr1-46274168-G-C. GRCh37 (hg19) VCF-style: chr1-46739840-G-C.
Other names: c.1641G>C, p.Met547Ile (NM_001142548.2); c.1101G>C, p.Met367Ile (NM_001370766.1); short protein forms M547I, M367I.
Identifiers: ClinVar variation 1777062 (VCV001777062.4), dbSNP rs757409617, ClinGen allele CA834681.

ClinVar aggregate classification (germline): Uncertain significance. Review status: criteria provided, multiple submitters, no conflicts (2 of 4 stars). 2 submissions from 2 submitters: Uncertain significance (2). Last evaluated 2024-09-12.

Conditions:
Familial cancer of breast. Also called: BREAST CANCER, FAMILIAL; Hereditary breast cancer; hereditary breast carcinoma. Identifiers: Orphanet 227535, MedGen C0346153, MONDO:0016419, OMIM 114480. Disease mechanism: loss of function.

Allele frequency attached by ClinVar (database versions not stated): ExAC 0.00001.
gnomAD v4.1: 10 of 1,613,892 alleles (0.00062%); highest among the groups gnomAD compares: South Asian, 0.011%; no homozygotes.

Submissions (2):

Ambry Genetics
Classification: Uncertain significance. Last evaluated: 2024-09-12. Review status: criteria provided, single submitter. Criteria: Ambry Variant Classification Scheme 2023. Collection method: clinical testing. Allele origin: germline.
Comment: The p.M547I variant (also known as c.1641G>C), located in coding exon 15 of the RAD54L gene, results from a G to C substitution at nucleotide position 1641. The methionine at codon 547 is replaced by isoleucine, an amino acid with highly similar properties. This amino acid position is conserved. In addition, the in silico prediction for this alteration is inconclusive. Since supporting evidence is limited at this time, the clinical significance of this alteration remains unclear.

Neuberg Centre For Genomic Medicine, NCGM
Classification: Uncertain significance for Familial cancer of breast. Review status: criteria provided, single submitter. Criteria: ACMG Guidelines, 2015. Collection method: clinical testing. Allele origin: germline. Inheritance: Autosomal dominant inheritance. Affected: yes.
Comment: The missense c.1641G>C (p.Met547Ile) variant in the RAD54L gene has not been reported previously as a pathogenic variant nor as a benign variant, to our knowledge. This variant is reported with the allele frequency (0.0003%) in the gnomAD Exomes. This variant has been reported to the ClinVar database as Uncertain Significance. However, no details are available for independent assessment. The amino acid Methionine at position 547 is changed to a Isoleucine changing protein sequence and it might alter its composition and physico-chemical properties. The variant is predicted as damaging by SIFT. The amino acid change p.Met547Ile in RAD54L is predicted as conserved by GERP++ and PhyloP across 100 vertebrates. For these reasons, this variant has been classified as Uncertain Significance.